The following is an entry in ClinVar:

NM_000530.8(MPZ):c.575G>A (p.Arg192Lys)

Gene: MPZ (myelin protein zero; minus strand). Cytogenetic location: 1q23.3.
Variant type: single nucleotide variant.
Coding change: c.575G>A on transcript NM_000530.8 (MANE Select); coding-DNA position 575, G replaced by A.
Protein change: p.Arg192Lys; replaces arginine 192 with lysine.
Molecular consequence: missense variant.
Genome position (GRCh38, 1-based): chr1:161,306,338, C>T on the plus strand (G>A on the coding strand, the complement: MPZ is on the minus strand). VCF-style: chr1-161306338-C-T. GRCh37 (hg19) VCF-style: chr1-161276128-C-T.
Other names: c.575G>A, p.Arg192Lys (NM_001315491.2); short protein forms R192K.
Identifiers: ClinVar variation 2758440 (VCV002758440.3), dbSNP rs2526235564, ClinGen allele CA343345295.

ClinVar aggregate classification (germline): Uncertain significance (1 of 4 stars; one submission).

Conditions:
Charcot-Marie-Tooth disease, type I (CMT1). Also called: Charcot-Marie-Tooth, Type 1; Charcot-Marie-Tooth disease type 1. Identifiers: Orphanet 65753, MedGen C0751036, MONDO:0019011.

Submission:

Labcorp Genetics (formerly Invitae), Labcorp
Classification: Uncertain significance for Charcot-Marie-Tooth disease, type I. Last evaluated: 2024-02-02. Review status: criteria provided, single submitter. Criteria: Invitae Variant Classification Sherloc (09022015). Collection method: clinical testing. Allele origin: germline.
Comment: This sequence change replaces arginine, which is basic and polar, with lysine, which is basic and polar, at codon 192 of the MPZ protein (p.Arg192Lys). This variant is not present in population databases (gnomAD no frequency). This variant has not been reported in the literature in individuals affected with MPZ-related conditions. Advanced modeling of protein sequence and biophysical properties (such as structural, functional, and spatial information, amino acid conservation, physicochemical variation, residue mobility, and thermodynamic stability) performed at Invitae indicates that this missense variant is not expected to disrupt MPZ protein function with a negative predictive value of 80%. In summary, the available evidence is currently insufficient to determine the role of this variant in disease. Therefore, it has been classified as a Variant of Uncertain Significance.